The following is an entry in ClinVar:

ClinVar aggregate classification (germline): Conflicting classifications of pathogenicity. Review status: criteria provided, conflicting classifications (1 of 4 stars). 3 submissions from 3 submitters: Uncertain significance (1); Likely benign (1). 1 of the submissions does not count toward it. Last evaluated 2026-01-09.

Conditions:
ATP8B1-related disorder. Also called: ATP8B1-related condition; ATP8B1-related disorders.

Allele frequency attached by ClinVar (database versions not stated): ExAC 0.00002; gnomAD exomes 0.00003 and 0.00009; TOPMed 0.00003; gnomAD 0.00005.
gnomAD v4.1: 140 of 1,614,034 alleles (0.0087%); highest among the groups gnomAD compares: Non-Finnish European, 0.011%; no homozygotes.

Submissions (3):

Labcorp Genetics (formerly Invitae), Labcorp
Classification: Likely benign. Last evaluated: 2026-01-09. Review status: criteria provided, single submitter. Criteria: Invitae Variant Classification Sherloc (09022015). Collection method: clinical testing. Allele origin: germline.

Eurofins Ntd Llc (ga)
Classification: Uncertain significance. Last evaluated: 2018-06-07. Review status: criteria provided, single submitter. Criteria: EGL ClinVar v180209 classification definitions. Collection method: clinical testing. Allele origin: germline. Observed: 2 variant alleles, 2 heterozygotes.

PreventionGenetics, part of Exact Sciences
Classification: Likely benign for ATP8B1-related condition. Last evaluated: 2024-04-25. Review status: no assertion criteria provided. Collection method: clinical testing. Allele origin: germline. Not counted in ClinVar's aggregate classification.
Comment: This variant is classified as likely benign based on ACMG/AMP sequence variant interpretation guidelines (Richards et al. 2015 PMID: 25741868, with internal and published modifications).

NM_001374385.1(ATP8B1):c.1620T>C (p.Asp540=)

Gene: ATP8B1 (ATPase phospholipid transporting 8B1; minus strand). Cytogenetic location: 18q21.31.
Variant type: single nucleotide variant.
Coding change: c.1620T>C on transcript NM_001374385.1 (MANE Select); coding-DNA position 1620, T replaced by C.
Protein change: p.Asp540=; no amino-acid change (aspartic acid 540 retained).
Molecular consequence: synonymous variant.
Genome position (GRCh38, 1-based): chr18:57,684,046, A>G on the plus strand (T>C on the coding strand, the complement: ATP8B1 is on the minus strand). VCF-style: chr18-57684046-A-G. GRCh37 (hg19) VCF-style: chr18-55351278-A-G.
Other names: c.1620T>C (NM_005603.4); c.1470T>C, p.Asp490= (NM_001374386.1); c.1620T>C, p.Asp540= (NM_005603.6).
Identifiers: ClinVar variation 597453 (VCV000597453.9), dbSNP rs201514636, ClinGen allele CA8974522.